The following is an entry in ClinVar:

NM_001378183.1(PIEZO2):c.8361T>A (p.Tyr2787Ter)

Gene: PIEZO2 (piezo type mechanosensitive ion channel component 2; minus strand). Cytogenetic location: 18p11.22.
Variant type: single nucleotide variant.
Coding change: c.8361T>A on transcript NM_001378183.1 (MANE Select); coding-DNA position 8361, T replaced by A.
Protein change: p.Tyr2787Ter; replaces tyrosine 2787 with a stop codon.
Molecular consequence: nonsense.
Genome position (GRCh38, 1-based): chr18:10,671,764, A>T on the plus strand (T>A on the coding strand, the complement: PIEZO2 is on the minus strand). VCF-style: chr18-10671764-A-T. GRCh37 (hg19) VCF-style: chr18-10671761-A-T.
Other names: c.8097T>A, p.Tyr2699Ter (NM_001410871.1); c.8022T>A, p.Tyr2674Ter (NM_022068.4); short protein forms Y2787*, Y2674*, Y2699*.
Identifiers: ClinVar variation 4985674 (VCV004985674.1).

ClinVar aggregate classification (germline): Likely pathogenic (1 of 4 stars; one submission).

Conditions:
PIEZO2-related disorder. Also called: PIEZO2-related disorders; PIEZO2-related condition.

gnomAD v4.1: 3 of 1,613,106 alleles (0.00019%); highest among the groups gnomAD compares: Non-Finnish European, 0.00025%; no homozygotes.

Submission:

PreventionGenetics, part of Exact Sciences
Classification: Likely pathogenic for PIEZO2-related condition. Last evaluated: 2026-03-25. Review status: criteria provided, single submitter. Criteria: ACMG Guidelines, 2015. Collection method: clinical testing. Allele origin: germline.
Comment: The PIEZO2 c.8022T>A variant is predicted to result in premature protein termination (p.Tyr2674*). To our knowledge, this variant has not been reported in the literature. This variant is reported in 0.0023% of alleles in individuals of European (Non-Finnish) descent in gnomAD. Nonsense variants in PIEZO2 are expected to be pathogenic. This variant is interpreted as likely pathogenic.